The following is an entry in ClinVar:

ClinVar aggregate classification (germline): Uncertain significance (1 of 4 stars; one submission).

Conditions:
Charcot-Marie-Tooth disease type 4. Also called: Charcot-Marie-Tooth, Type 4; Charcot-Marie-Tooth disease, type IV. Identifiers: Orphanet 64749, MedGen C4082197, MONDO:0018995.

Submission:

Labcorp Genetics (formerly Invitae), Labcorp
Classification: Uncertain significance for Charcot-Marie-Tooth disease type 4. Last evaluated: 2022-06-20. Review status: criteria provided, single submitter. Criteria: Invitae Variant Classification Sherloc (09022015). Collection method: clinical testing. Allele origin: germline.
Comment: In summary, the available evidence is currently insufficient to determine the role of this variant in disease. Therefore, it has been classified as a Variant of Uncertain Significance. Advanced modeling of protein sequence and biophysical properties (such as structural, functional, and spatial information, amino acid conservation, physicochemical variation, residue mobility, and thermodynamic stability) performed at Invitae indicates that this missense variant is not expected to disrupt SH3TC2 protein function. This variant has not been reported in the literature in individuals affected with SH3TC2-related conditions. This variant is not present in population databases (gnomAD no frequency). This sequence change replaces leucine, which is neutral and non-polar, with phenylalanine, which is neutral and non-polar, at codon 276 of the SH3TC2 protein (p.Leu276Phe).

NM_024577.4(SH3TC2):c.828G>C (p.Leu276Phe)

Gene: SH3TC2 (SH3 domain and tetratricopeptide repeats 2; minus strand). Cytogenetic location: 5q32.
Variant type: single nucleotide variant.
Coding change: c.828G>C on transcript NM_024577.4 (MANE Select); coding-DNA position 828, G replaced by C.
Protein change: p.Leu276Phe; replaces leucine 276 with phenylalanine.
Molecular consequence: missense variant.
Genome position (GRCh38, 1-based): chr5:149,038,468, C>G on the plus strand (G>C on the coding strand, the complement: SH3TC2 is on the minus strand). VCF-style: chr5-149038468-C-G. GRCh37 (hg19) VCF-style: chr5-148418031-C-G.
Other names: short protein forms L276F.
Identifiers: ClinVar variation 1348254 (VCV001348254.8), dbSNP rs1754319874, ClinGen allele CA361673180.